The following is an entry in ClinVar:

ClinVar aggregate classification (germline): Likely benign (1 of 4 stars; one submission).

Allele frequency attached by ClinVar (database versions not stated): TOPMed 0.00088; gnomAD 0.00158 and 0.00171; 1000 Genomes Project 30x 0.00281; 1000 Genomes Project 0.00379.
gnomAD v4.1: 257 of 152,270 alleles (0.17%); highest among the groups gnomAD compares: East Asian, 1.8%; 4 homozygotes.

Submission:

GeneDx
Classification: Likely benign. Last evaluated: 2018-06-18. Review status: criteria provided, single submitter. Criteria: GeneDx Variant Classification (06012015). Collection method: clinical testing. Allele origin: germline. Affected: yes.
Comment: This variant is considered likely benign or benign based on one or more of the following criteria: it is a conservative change, it occurs at a poorly conserved position in the protein, it is predicted to be benign by multiple in silico algorithms, and/or has population frequency not consistent with disease.

NM_000465.4(BARD1):c.1569-184G>A

Gene: BARD1 (BRCA1 associated RING domain 1; minus strand). Cytogenetic location: 2q35.
Variant type: single nucleotide variant.
Coding change: c.1569-184G>A on transcript NM_000465.4 (MANE Select); 184 bases into the intron before coding-DNA position 1569, G replaced by A.
Molecular consequence: intron variant.
Genome position (GRCh38, 1-based): chr2:214,752,739, C>T on the plus strand (G>A on the coding strand, the complement: BARD1 is on the minus strand). VCF-style: chr2-214752739-C-T. GRCh37 (hg19) VCF-style: chr2-215617463-C-T.
Other names: c.159-184G>A (NM_001282548.2); c.1512-184G>A (NM_001282543.2); c.216-184G>A (NM_001282545.2); c.365-22231G>A (NM_001282549.2).
Identifiers: ClinVar variation 675454 (VCV000675454.1), dbSNP rs80226752, ClinGen allele CA64807203.